The following is an entry in ClinVar:

NM_032816.5(CEP89):c.98C>T (p.Pro33Leu)

Gene: CEP89 (centrosomal protein 89; minus strand). Cytogenetic location: 19q13.11.
Variant type: single nucleotide variant.
Coding change: c.98C>T on transcript NM_032816.5 (MANE Select); coding-DNA position 98, C replaced by T.
Protein change: p.Pro33Leu; replaces proline 33 with leucine.
Molecular consequence: missense variant.
Genome position (GRCh38, 1-based): chr19:32,966,408, G>A on the plus strand (C>T on the coding strand, the complement: CEP89 is on the minus strand). VCF-style: chr19-32966408-G-A. GRCh37 (hg19) VCF-style: chr19-33457314-G-A.
Other names: short protein forms P33L.
Identifiers: ClinVar variation 2601854 (VCV002601854.4), dbSNP rs1358071100, ClinGen allele CA405197379.

ClinVar aggregate classification (germline): Uncertain significance. Review status: criteria provided, multiple submitters, no conflicts (2 of 4 stars). 2 submissions from 2 submitters: Uncertain significance (2). Last evaluated 2024-09-27.

Allele frequency attached by ClinVar (database versions not stated): gnomAD 0.00001; gnomAD exomes 0.00002; TOPMed 0.00002.
gnomAD v4.1: 27 of 1,562,542 alleles (0.0017%); highest among the groups gnomAD compares: Non-Finnish European, 0.0022%; no homozygotes.

Submissions (2):

Labcorp Genetics (formerly Invitae), Labcorp
Classification: Uncertain significance. Last evaluated: 2024-09-27. Review status: criteria provided, single submitter. Criteria: Invitae Variant Classification Sherloc (09022015). Collection method: clinical testing. Allele origin: germline.
Comment: This sequence change replaces proline, which is neutral and non-polar, with leucine, which is neutral and non-polar, at codon 33 of the CEP89 protein (p.Pro33Leu). The frequency data for this variant in the population databases is considered unreliable, as metrics indicate poor data quality at this position in the gnomAD database. This variant has not been reported in the literature in individuals affected with CEP89-related conditions. ClinVar contains an entry for this variant (Variation ID: 2601854). An algorithm developed to predict the effect of missense changes on protein structure and function (PolyPhen-2) suggests that this variant is likely to be disruptive. In summary, the available evidence is currently insufficient to determine the role of this variant in disease. Therefore, it has been classified as a Variant of Uncertain Significance.

Ambry Genetics
Classification: Uncertain significance. Last evaluated: 2023-07-12. Review status: criteria provided, single submitter. Criteria: Ambry Variant Classification Scheme 2023. Collection method: clinical testing. Allele origin: germline.